The following is an entry in ClinVar:

NM_001127222.2(CACNA1A):c.400-123G>T

Gene: CACNA1A (calcium voltage-gated channel subunit alpha1 A; minus strand). Cytogenetic location: 19p13.13.
Variant type: single nucleotide variant.
Coding change: c.400-123G>T on transcript NM_001127222.2 (MANE Select); 123 bases into the intron before coding-DNA position 400, G replaced by T.
Molecular consequence: intron variant.
Genome position (GRCh38, 1-based): chr19:13,453,138, C>A on the plus strand (G>T on the coding strand, the complement: CACNA1A is on the minus strand). VCF-style: chr19-13453138-C-A. GRCh37 (hg19) VCF-style: chr19-13563952-C-A.
Other names: c.400-123G>T (NM_001127221.2, NM_001174080.2, NM_000068.4 and 1 more transcripts).
Identifiers: ClinVar variation 680137 (VCV000680137.2), dbSNP rs3764615, ClinGen allele CA305521073.

ClinVar aggregate classification (germline): Benign. Review status: criteria provided, multiple submitters, no conflicts (2 of 4 stars). 2 submissions from 2 submitters: Benign (2). Last evaluated 2018-06-19.

Allele frequency attached by ClinVar (database versions not stated): gnomAD exomes 0.09648; gnomAD 0.12411 and 0.12731; TOPMed 0.12698; 1000 Genomes Project 0.17372; 1000 Genomes Project 30x 0.17427.
gnomAD v4.1: 92,438 of 909,456 alleles (10%); highest among the groups gnomAD compares: East Asian, 25%; 6,238 homozygotes.

Submissions (2):

GeneDx
Classification: Benign. Last evaluated: 2018-06-19. Review status: criteria provided, single submitter. Criteria: GeneDx Variant Classification (06012015). Collection method: clinical testing. Allele origin: germline. Affected: yes.
Comment: This variant is considered likely benign or benign based on one or more of the following criteria: it is a conservative change, it occurs at a poorly conserved position in the protein, it is predicted to be benign by multiple in silico algorithms, and/or has population frequency not consistent with disease.

Breakthrough Genomics
Classification: Benign. Review status: criteria provided, single submitter. Criteria: ACMG Guidelines, 2015. Collection method: not provided. Allele origin: germline. Inheritance: Autosomal dominant inheritance. Affected: yes.